The following is an entry in ClinVar:

NM_020366.4(RPGRIP1):c.604_611del (p.Ser202fs)

Gene: RPGRIP1 (RPGR interacting protein 1; plus strand). Cytogenetic location: 14q11.2.
Variant type: Deletion.
Coding change: c.604_611del on transcript NM_020366.4 (MANE Select); coding-DNA positions 604 to 611, 8 bases deleted (AGCATAAT; older notation c.604_611delAGCATAAT).
Protein change: p.Ser202fs; shifts the reading frame from serine 202.
Molecular consequence: frameshift variant.
Genome position (GRCh38, 1-based): chr14:21,303,347-21,303,354, AGCATAAT deleted. VCF-style (leftmost placement, unchanged base first): chr14-21303346-CAGCATAAT-C. GRCh37 (hg19) VCF-style: chr14-21771505-CAGCATAAT-C.
Other names: short protein forms S202fs.
Identifiers: ClinVar variation 2930186 (VCV002930186.4), dbSNP rs2502710900, ClinGen allele CA2541198165.
Genomic context (GRCh38, chr14:21,303,346, plus strand): 5'-TAAACTCCTGTAACAACAGTTTCTAAGTATCCTTTTTGTATTTAGTGTTTCTGGTTCTAA[CAGCATAAT>C]TTCTTTCAGCAGTGTCATAAGTATGGCTAAACCCATTGGTCTATGCATGCCTAACAGTGC-3'

ClinVar aggregate classification (germline): Pathogenic/Likely pathogenic. Review status: criteria provided, multiple submitters, no conflicts (2 of 4 stars). 2 submissions from 2 submitters: Pathogenic (1); Likely pathogenic (1). Last evaluated 2024-01-05.

Conditions:
Cone-rod dystrophy 13 (CORD13). Identifiers: Orphanet 1872, MedGen C2750720, MONDO:0011987, OMIM 608194.
Leber congenital amaurosis 6 (LCA6). Identifiers: Orphanet 65, MedGen C1854260, MONDO:0013446, OMIM 613826.
RPGRIP1-related disorder. Also called: RPGRIP1-related condition.

Allele frequency attached by ClinVar (database versions not stated): gnomAD exomes below 0.00001.

Submissions (2):

Labcorp Genetics (formerly Invitae), Labcorp
Classification: Pathogenic for Leber congenital amaurosis 6; Cone-rod dystrophy 13. Last evaluated: 2024-01-05. Review status: criteria provided, single submitter. Criteria: Invitae Variant Classification Sherloc (09022015). Collection method: clinical testing. Allele origin: germline.
Comment: This sequence change creates a premature translational stop signal (p.Ser202Phefs*10) in the RPGRIP1 gene. It is expected to result in an absent or disrupted protein product. Loss-of-function variants in RPGRIP1 are known to be pathogenic (PMID: 11528500, 23105016). This variant is not present in population databases (gnomAD no frequency). This variant has not been reported in the literature in individuals affected with RPGRIP1-related conditions. Algorithms developed to predict the effect of sequence changes on RNA splicing suggest that this variant may create or strengthen a splice site. For these reasons, this variant has been classified as Pathogenic.

Blueprint Genetics
Classification: Likely pathogenic for RPGRIP1-related disorders. Last evaluated: 2022-09-21. Review status: criteria provided, single submitter. Criteria: ACMG Guidelines, 2015. Collection method: clinical testing. Allele origin: germline. Affected: yes. Observed: 1 variant allele.

Literature cited by the submitters: PubMed 11528500 (cited by Labcorp Genetics (formerly Invitae), Labcorp); PubMed 23105016 (cited by Labcorp Genetics (formerly Invitae), Labcorp).